The following is an entry in ClinVar:

ClinVar aggregate classification (germline): Likely benign (1 of 4 stars; one submission).

Allele frequency attached by ClinVar (database versions not stated): TOPMed below 0.00001.

Submission:

CeGaT Center for Human Genetics Tuebingen
Classification: Likely benign. Last evaluated: 2023-11-01. Review status: criteria provided, single submitter. Criteria: CeGaT Center For Human Genetics Tuebingen Variant Classification Criteria Version 2. Collection method: clinical testing. Allele origin: germline. Affected: yes. Observed: 1 variant allele.
Comment: FAT3: PM2:Supporting, BP4, BP7

NM_001367949.2(FAT3):c.5334A>C (p.Leu1778=)

Gene: FAT3 (FAT atypical cadherin 3; plus strand). Cytogenetic location: 11q14.3.
Variant type: single nucleotide variant.
Coding change: c.5334A>C on transcript NM_001367949.2 (MANE Select); coding-DNA position 5334, A replaced by C.
Protein change: p.Leu1778=; no amino-acid change (leucine 1778 retained).
Molecular consequence: synonymous variant.
Genome position (GRCh38, 1-based): chr11:92,798,347, A>C. VCF-style: chr11-92798347-A-C. GRCh37 (hg19) VCF-style: chr11-92531513-A-C.
Other names: c.5334A>C, p.Leu1778= (NM_001008781.3).
Identifiers: ClinVar variation 2642271 (VCV002642271.24), dbSNP rs1186862853, ClinGen allele CA476477268.
Genomic context (GRCh38, chr11:92,798,347, plus strand): 5'-GATTGTTGATGAAAATGATAATGCCCCAGTTTTTCTCTTTTCTCAATACTCAGGCAGCCT[A>C]AGTGAGGCTGCCCCAATTAATAGCATTGTCAGGAGCTTGGATAACAGCCCACTGGTGATT-3'
Protein context (NP_001354878.1, residues 1768-1788): VFLFSQYSGS[Leu1778=]SEAAPINSIV